The following is an entry in ClinVar:

ClinVar aggregate classification (germline): Likely benign. Review status: criteria provided, single submitter (1 of 4 stars). 2 submissions from 2 submitters: Likely benign (1). 1 of the submissions does not count toward it. Last evaluated 2024-04-22.

Conditions:
HCN4-related disorder. Also called: HCN4-related condition.

Submissions (2):

Blueprint Genetics
Classification: Likely benign. Last evaluated: 2024-04-22. Review status: criteria provided, single submitter. Criteria: ACMG Guidelines, 2015. Collection method: clinical testing. Allele origin: germline.

PreventionGenetics, part of Exact Sciences
Classification: Likely benign for HCN4-related condition. Last evaluated: 2023-01-12. Review status: no assertion criteria provided. Collection method: clinical testing. Allele origin: germline. Not counted in ClinVar's aggregate classification.
Comment: This variant is classified as likely benign based on ACMG/AMP sequence variant interpretation guidelines (Richards et al. 2015 PMID: 25741868, with internal and published modifications).

NM_005477.3(HCN4):c.2143+10A>T

Gene: HCN4 (hyperpolarization activated cyclic nucleotide gated potassium channel 4; minus strand). Cytogenetic location: 15q24.1.
Variant type: single nucleotide variant.
Coding change: c.2143+10A>T on transcript NM_005477.3 (MANE Select); 10 bases into the intron after coding-DNA position 2143, A replaced by T.
Molecular consequence: intron variant.
Genome position (GRCh38, 1-based): chr15:73,324,079, T>A on the plus strand (A>T on the coding strand, the complement: HCN4 is on the minus strand). VCF-style: chr15-73324079-T-A. GRCh37 (hg19) VCF-style: chr15-73616420-T-A.
Identifiers: ClinVar variation 3052132 (VCV003052132.3), dbSNP rs1426213587, ClinGen allele CA2187188983.